The following is an entry in ClinVar:

ClinVar aggregate classification (germline): Uncertain significance. Review status: criteria provided, multiple submitters, no conflicts (2 of 4 stars). 2 submissions from 2 submitters: Uncertain significance (2). Last evaluated 2022-07-12.

Conditions:
Inherited glutathione synthetase deficiency. Identifiers: Orphanet 32, MedGen C5979912, MONDO:0017909.

Allele frequency attached by ClinVar (database versions not stated): gnomAD exomes below 0.00001; TOPMed 0.00002.
gnomAD v4.1: 1 of 1,608,796 alleles (0.000062%); highest among the groups gnomAD compares: African/African-American, 0.0013%; no homozygotes.

Submissions (2):

Labcorp Genetics (formerly Invitae), Labcorp
Classification: Uncertain significance for Glutathione synthetase deficiency with 5-oxoprolinuria. Last evaluated: 2022-07-12. Review status: criteria provided, single submitter. Criteria: Invitae Variant Classification Sherloc (09022015). Collection method: clinical testing. Allele origin: germline.
Comment: This sequence change replaces glutamine, which is neutral and polar, with arginine, which is basic and polar, at codon 278 of the GSS protein (p.Gln278Arg). This variant is not present in population databases (gnomAD no frequency). This variant has not been reported in the literature in individuals affected with GSS-related conditions. ClinVar contains an entry for this variant (Variation ID: 1394018). Algorithms developed to predict the effect of missense changes on protein structure and function (SIFT, PolyPhen-2, Align-GVGD) all suggest that this variant is likely to be tolerated. Algorithms developed to predict the effect of sequence changes on RNA splicing suggest that this variant may disrupt the consensus splice site. In summary, the available evidence is currently insufficient to determine the role of this variant in disease. Therefore, it has been classified as a Variant of Uncertain Significance.

Mayo Clinic Laboratories, Mayo Clinic
Classification: Uncertain significance. Last evaluated: 2022-06-09. Review status: criteria provided, single submitter. Criteria: ACMG Guidelines, 2015. Collection method: clinical testing. Allele origin: germline. Observed: 1 variant allele.
Comment: PM2

NM_000178.4(GSS):c.833A>G (p.Gln278Arg)

Gene: GSS (glutathione synthetase; minus strand). Cytogenetic location: 20q11.22.
Variant type: single nucleotide variant.
Coding change: c.833A>G on transcript NM_000178.4 (MANE Select); coding-DNA position 833, A replaced by G.
Protein change: p.Gln278Arg; replaces glutamine 278 with arginine.
Molecular consequence: missense variant.
Genome position (GRCh38, 1-based): chr20:34,935,577, T>C on the plus strand (A>G on the coding strand, the complement: GSS is on the minus strand). VCF-style: chr20-34935577-T-C. GRCh37 (hg19) VCF-style: chr20-33523380-T-C.
Other names: p.Gln278Arg; c.833A>G, p.Gln278Arg (NM_001322494.1, NM_001322495.1); c.833A>G (NM_000178.3); short protein forms Q278R.
Identifiers: ClinVar variation 1394018 (VCV001394018.6), dbSNP rs2081434339, ClinGen allele CA408702174.
Genomic context (GRCh38, chr20:34,935,577, plus strand): 5'-CTCTGTGGAGCTCTTGTGGGTCCCAGGAGGCAAAGAATGGTCTCACAGAAAATACCAACC[T>C]GTAGACTGTACTGACGAGGCATGTAGCCATCCCGGAAGTAAACCACAGCAATTTCCTGGC-3'
Protein context (NP_000169.1, residues 268-288): DGYMPRQYSL[Gln278Arg]NWEARLLLER